The following is an entry in ClinVar:

ClinVar aggregate classification (germline): Uncertain significance (1 of 4 stars; one submission).

Submission:

Ambry Genetics
Classification: Uncertain significance. Last evaluated: 2022-03-31. Review status: criteria provided, single submitter. Criteria: Ambry Variant Classification Scheme 2023. Collection method: clinical testing. Allele origin: germline.
Comment: The p.H55Y variant (also known as c.163C>T), located in coding exon 1 of the BUB3 gene, results from a C to T substitution at nucleotide position 163. The histidine at codon 55 is replaced by tyrosine, an amino acid with similar properties. This amino acid position is conserved. In addition, this alteration is predicted to be deleterious by in silico analysis. Since supporting evidence is limited at this time, the clinical significance of this alteration remains unclear.

NM_004725.4(BUB3):c.163C>T (p.His55Tyr)

Gene: BUB3 (BUB3 mitotic checkpoint protein; plus strand). Cytogenetic location: 10q26.13.
Variant type: single nucleotide variant.
Coding change: c.163C>T on transcript NM_004725.4 (MANE Select); coding-DNA position 163, C replaced by T.
Protein change: p.His55Tyr; replaces histidine 55 with tyrosine.
Molecular consequence: missense variant.
Genome position (GRCh38, 1-based): chr10:123,155,080, C>T. VCF-style: chr10-123155080-C-T. GRCh37 (hg19) VCF-style: chr10-124914596-C-T.
Other names: c.163C>T, p.His55Tyr (NM_001007793.3); short protein forms H55Y.
Identifiers: ClinVar variation 1777005 (VCV001777005.2), dbSNP rs2493755579, ClinGen allele CA378625071.